The following is an entry in ClinVar:

ClinVar aggregate classification (germline): Uncertain significance (1 of 4 stars; one submission).

Conditions:
Cholestanol storage disease (CTX). Also called: Cerebrotendinous Xanthomatosis; CEREBRAL CHOLESTERINOSIS; CTX: Cerebrotendinous xanthomatosis. Identifiers: Orphanet 909, MedGen C0238052, MONDO:0008948, OMIM 213700.

Allele frequency attached by ClinVar (database versions not stated): gnomAD exomes below 0.00001.
gnomAD v4.1: 1 of 1,614,236 alleles (0.000062%); highest among the groups gnomAD compares: Non-Finnish European, 0.000085%; no homozygotes.

Submission:

Labcorp Genetics (formerly Invitae), Labcorp
Classification: Uncertain significance for Cholestanol storage disease. Last evaluated: 2025-01-23. Review status: criteria provided, single submitter. Criteria: Invitae Variant Classification Sherloc (09022015). Collection method: clinical testing. Allele origin: germline.
Comment: This sequence change replaces alanine, which is neutral and non-polar, with threonine, which is neutral and polar, at codon 194 of the CYP27A1 protein (p.Ala194Thr). This variant is present in population databases (no rsID available, gnomAD 0.006%). This variant has not been reported in the literature in individuals affected with CYP27A1-related conditions. ClinVar contains an entry for this variant (Variation ID: 2151676). Invitae Evidence Modeling of protein sequence and biophysical properties (such as structural, functional, and spatial information, amino acid conservation, physicochemical variation, residue mobility, and thermodynamic stability) indicates that this missense variant is not expected to disrupt CYP27A1 protein function with a negative predictive value of 80%. In summary, the available evidence is currently insufficient to determine the role of this variant in disease. Therefore, it has been classified as a Variant of Uncertain Significance.

NM_000784.4(CYP27A1):c.580G>A (p.Ala194Thr)

Gene: CYP27A1 (cytochrome P450 family 27 subfamily A member 1; plus strand). Cytogenetic location: 2q35.
Variant type: single nucleotide variant.
Coding change: c.580G>A on transcript NM_000784.4 (MANE Select); coding-DNA position 580, G replaced by A.
Protein change: p.Ala194Thr; replaces alanine 194 with threonine.
Molecular consequence: missense variant.
Genome position (GRCh38, 1-based): chr2:218,812,355, G>A. VCF-style: chr2-218812355-G-A. GRCh37 (hg19) VCF-style: chr2-219677078-G-A.
Other names: short protein forms A194T.
Identifiers: ClinVar variation 2151676 (VCV002151676.3), dbSNP rs1333244374, ClinGen allele CA350585302.